The following is an entry in ClinVar:

NM_033026.6(PCLO):c.4997G>T (p.Arg1666Leu)

Gene: PCLO (piccolo presynaptic cytomatrix protein; minus strand). Cytogenetic location: 7q21.11.
Variant type: single nucleotide variant.
Coding change: c.4997G>T on transcript NM_033026.6 (MANE Select); coding-DNA position 4997, G replaced by T.
Protein change: p.Arg1666Leu; replaces arginine 1666 with leucine.
Molecular consequence: missense variant.
Genome position (GRCh38, 1-based): chr7:82,955,956, C>A on the plus strand (G>T on the coding strand, the complement: PCLO is on the minus strand). VCF-style: chr7-82955956-C-A. GRCh37 (hg19) VCF-style: chr7-82585272-C-A.
Other names: c.4997G>T, p.Arg1666Leu (NM_014510.3); short protein forms R1666L.
Identifiers: ClinVar variation 1356889 (VCV001356889.7), dbSNP rs759540241, ClinGen allele CA367925476.

ClinVar aggregate classification (germline): Uncertain significance (1 of 4 stars; one submission).

Submission:

Labcorp Genetics (formerly Invitae), Labcorp
Classification: Uncertain significance. Last evaluated: 2021-05-28. Review status: criteria provided, single submitter. Criteria: Invitae Variant Classification Sherloc (09022015). Collection method: clinical testing. Allele origin: germline.
Comment: Algorithms developed to predict the effect of missense changes on protein structure and function are either unavailable or do not agree on the potential impact of this missense change (SIFT: "Deleterious"; PolyPhen-2: "Not Available"; Align-GVGD: "Class C0"). In summary, the available evidence is currently insufficient to determine the role of this variant in disease. Therefore, it has been classified as a Variant of Uncertain Significance. This variant has not been reported in the literature in individuals with PCLO-related conditions. This sequence change replaces arginine with leucine at codon 1666 of the PCLO protein (p.Arg1666Leu). The arginine residue is moderately conserved and there is a moderate physicochemical difference between arginine and leucine. This variant is not present in population databases (ExAC no frequency).